The following is an entry in ClinVar:

ClinVar aggregate classification (germline): Uncertain significance (1 of 4 stars; one submission).

gnomAD v4.1: 2 of 1,210,091 alleles (0.00017%); highest among the groups gnomAD compares: African/African-American, 0.0035%; no homozygotes.

Submission:

Labcorp Genetics (formerly Invitae), Labcorp
Classification: Uncertain significance. Last evaluated: 2025-10-23. Review status: criteria provided, single submitter. Criteria: Invitae Variant Classification Sherloc (09022015). Collection method: clinical testing. Allele origin: germline.
Comment: This sequence change replaces glycine, which is neutral and non-polar, with aspartic acid, which is acidic and polar, at codon 145 of the TLR7 protein (p.Gly145Asp). This variant is present in population databases (rs137927123, gnomAD 0.008%). This variant has not been reported in the literature in individuals affected with TLR7-related conditions. An algorithm developed to predict the effect of missense changes on protein structure and function outputs the following: PolyPhen-2: "Benign". The aspartic acid amino acid residue is found in multiple mammalian species, which suggests that this missense change does not adversely affect protein function. In summary, the available evidence is currently insufficient to determine the role of this variant in disease. Therefore, it has been classified as a Variant of Uncertain Significance.

NM_016562.4(TLR7):c.434G>A (p.Gly145Asp)

Gene: TLR7 (toll like receptor 7; plus strand). Cytogenetic location: Xp22.2.
Variant type: single nucleotide variant.
Coding change: c.434G>A on transcript NM_016562.4 (MANE Select); coding-DNA position 434, G replaced by A.
Protein change: p.Gly145Asp; replaces glycine 145 with aspartic acid.
Molecular consequence: missense variant.
Genome position (GRCh38, 1-based): chrX:12,885,942, G>A. VCF-style: chrX-12885942-G-A. GRCh37 (hg19) VCF-style: chrX-12904061-G-A.
Other names: short protein forms G145D.
Identifiers: ClinVar variation 4763347 (VCV004763347.1).